The following is an entry in ClinVar:

NM_133259.4(LRPPRC):c.1582+1329A>G

Gene: LRPPRC (leucine rich pentatricopeptide repeat containing; minus strand). Cytogenetic location: 2p21.
Variant type: single nucleotide variant.
Coding change: c.1582+1329A>G on transcript NM_133259.4 (MANE Select); 1329 bases into the intron after coding-DNA position 1582, A replaced by G.
Molecular consequence: intron variant.
Genome position (GRCh38, 1-based): chr2:43,959,212, T>C on the plus strand (A>G on the coding strand, the complement: LRPPRC is on the minus strand). VCF-style: chr2-43959212-T-C. GRCh37 (hg19) VCF-style: chr2-44186351-T-C.
Identifiers: ClinVar variation 3387998 (VCV003387998.14).

ClinVar aggregate classification (germline): Likely benign (1 of 4 stars; one submission).

gnomAD v4.1: 1,507 of 716,442 alleles (0.21%); highest among the groups gnomAD compares: Non-Finnish European, 0.26%; 7 homozygotes.

Submission:

CeGaT Center for Human Genetics Tuebingen
Classification: Likely benign. Last evaluated: 2026-09-01. Review status: criteria provided, single submitter. Criteria: CeGaT Center For Human Genetics Tuebingen Variant Classification Criteria Version 2. Collection method: clinical testing. Allele origin: germline. Affected: yes. Observed: 4 variant alleles.
Comment: LRPPRC: BS2